The following is an entry in ClinVar:

ClinVar aggregate classification (germline): Uncertain significance (1 of 4 stars; one submission).

Conditions:
BAP1-related tumor predisposition syndrome (TPDS1). Also called: Tumor susceptibility linked to germline BAP1 mutations; COMMON Syndrome; TUMOR PREDISPOSITION SYNDROME 1; BAP1 tumor predisposition syndrome. Identifiers: Orphanet 289539, MedGen C3280492, MONDO:0013692, OMIM 614327.

gnomAD v4.1: 2 of 1,614,044 alleles (0.00012%); highest among the groups gnomAD compares: Non-Finnish European, 0.000085%; no homozygotes.

Submission:

Labcorp Genetics (formerly Invitae), Labcorp
Classification: Uncertain significance for BAP1-related tumor predisposition syndrome. Last evaluated: 2024-06-04. Review status: criteria provided, single submitter. Criteria: Invitae Variant Classification Sherloc (09022015). Collection method: clinical testing. Allele origin: germline.
Comment: This sequence change replaces valine, which is neutral and non-polar, with alanine, which is neutral and non-polar, at codon 29 of the BAP1 protein (p.Val29Ala). This variant is not present in population databases (gnomAD no frequency). This variant has not been reported in the literature in individuals affected with BAP1-related conditions. Advanced modeling of protein sequence and biophysical properties (such as structural, functional, and spatial information, amino acid conservation, physicochemical variation, residue mobility, and thermodynamic stability) performed at Invitae indicates that this missense variant is expected to disrupt BAP1 protein function with a positive predictive value of 80%. In summary, the available evidence is currently insufficient to determine the role of this variant in disease. Therefore, it has been classified as a Variant of Uncertain Significance.

NM_004656.4(BAP1):c.86T>C (p.Val29Ala)

Gene: BAP1 (BRCA1 associated deubiquitinase 1; minus strand). Cytogenetic location: 3p21.1.
Variant type: single nucleotide variant.
Coding change: c.86T>C on transcript NM_004656.4 (MANE Select); coding-DNA position 86, T replaced by C.
Protein change: p.Val29Ala; replaces valine 29 with alanine.
Molecular consequence: missense variant.
Genome position (GRCh38, 1-based): chr3:52,409,590, A>G on the plus strand (T>C on the coding strand, the complement: BAP1 is on the minus strand). VCF-style: chr3-52409590-A-G. GRCh37 (hg19) VCF-style: chr3-52443606-A-G.
Other names: c.86T>C, p.Val29Ala (NM_001410772.1); short protein forms V29A.
Identifiers: ClinVar variation 3614151 (VCV003614151.2).